The following is an entry in ClinVar:

NM_000264.5(PTCH1):c.3633del (p.Gly1212fs)

Gene: PTCH1 (patched 1; minus strand). Cytogenetic location: 9q22.32.
Variant type: Deletion.
Coding change: c.3633del on transcript NM_000264.5 (MANE Select); coding-DNA position 3633, one base deleted (C; older notation c.3633delC).
Protein change: p.Gly1212fs; shifts the reading frame from glycine 1212.
Molecular consequence: frameshift variant. On other transcripts: non-coding transcript variant (1).
Genome position (GRCh38, 1-based): chr9:95,449,240, G deleted on the plus strand (C on the coding strand, the reverse complement: PTCH1 is on the minus strand); the first of 3 consecutive G bases (chr9:95,449,240-95,449,242); deleting any one gives the same sequence. VCF-style (leftmost placement, unchanged base first): chr9-95449239-CG-C. GRCh37 (hg19) VCF-style: chr9-98211521-CG-C.
Other names: c.3633delC (NM_000264.3); c.3633del (NM_000264.3); c.3435del, p.Gly1146fs (NM_001083602.3); c.3630del, p.Gly1211fs (NM_001083603.3); c.3180del, p.Gly1061fs (NM_001083604.3, NM_001083605.3, NM_001083606.3 and 1 more transcripts); c.3477del, p.Gly1160fs (NM_001354918.2); short protein forms G1061fs, G1146fs, G1211fs, G1212fs, G1160fs.
Identifiers: ClinVar variation 1456710 (VCV001456710.9), dbSNP rs2136600953, ClinGen allele CA2573144845.

ClinVar aggregate classification (germline): Uncertain significance. Review status: criteria provided, multiple submitters, no conflicts (2 of 4 stars). 4 submissions from 4 submitters: Uncertain significance (4). Last evaluated 2024-03-25.

Conditions:
Basal cell carcinoma, susceptibility to, 1. Also called: BCC1. Identifiers: MedGen C2751544, MONDO:0011556, OMIM 605462.
Gorlin syndrome. Also called: Nevoid Basal Cell Carcinoma Syndrome; Basal cell nevus syndrome. Identifiers: Orphanet 377, MedGen C0004779, MONDO:0007187.
Hereditary cancer-predisposing syndrome. Also called: Hereditary Cancer Syndrome; Hereditary neoplastic syndrome; Tumor predisposition; Neoplastic Syndromes, Hereditary. Identifiers: Orphanet 140162, MedGen C0027672, MeSH D009386, MONDO:0015356.

Submissions (4):

Ambry Genetics
Classification: Uncertain significance for Hereditary cancer-predisposing syndrome. Last evaluated: 2024-03-25. Review status: criteria provided, single submitter. Criteria: Ambry Variant Classification Scheme 2023. Collection method: clinical testing. Allele origin: germline.
Comment: The c.3633delC variant, located in coding exon 22 of the PTCH1 gene, results from a deletion of one nucleotide at nucleotide position 3633, causing a translational frameshift with a predicted alternate stop codon (p.G1212Afs*43). This alteration is expected to result in loss of function by premature protein truncation or nonsense-mediated mRNA decay. However, it occurs near the 3' terminus of PTCH1 where no known functional domains are located. Alterations in this region have been observed in individuals who do not have a personal or family history that is consistent with or suggestive of PTCH1-associated disease (Ambry internal data). Since supporting evidence is limited at this time, the clinical significance of this alteration remains unclear.

Baylor Genetics
Classification: Uncertain significance for Basal cell carcinoma, susceptibility to, 1. Last evaluated: 2023-11-12. Review status: criteria provided, single submitter. Criteria: ACMG Guidelines, 2015. Collection method: clinical testing. Allele origin: unknown.

St. Jude Molecular Pathology, St. Jude Children's Research Hospital
Classification: Uncertain significance for Basal cell nevus syndrome 1. Last evaluated: 2022-10-12. Review status: criteria provided, single submitter. Criteria: St. Jude Assertion Criteria 2020. Collection method: clinical testing. Allele origin: germline.
Comment: The PTCH1 c.3633del (p.Gly1212AlafsTer43) change deletes one nucleotide and causes a frameshift and the creation of a premature stop codon. The variant is not expected to result in nonsense mediated decay and the new stop codon is located within the 3’-most 50 nucleotides of the penultimate exon. Taken together, this results in a lower weight of evidence for the loss-of-function variant (PMID: 30192042). This variant is absent in gnomAD v2.1.1. To our knowledge, truncating variants in exons 22 and 23 of the PTCH1 gene have not been reported in the literature in individuals with nevoid basal cell carcinoma syndrome. In summary, the evidence currently available is insufficient to determine the clinical significance of this variant. It has therefore been classified as of uncertain significance.

Labcorp Genetics (formerly Invitae), Labcorp
Classification: Uncertain significance for Gorlin syndrome. Last evaluated: 2022-02-08. Review status: criteria provided, single submitter. Criteria: Invitae Variant Classification Sherloc (09022015). Collection method: clinical testing. Allele origin: germline.
Comment: In summary, the available evidence is currently insufficient to determine the role of this variant in disease. Therefore, it has been classified as a Variant of Uncertain Significance. This variant has not been reported in the literature in individuals affected with PTCH1-related conditions. This variant is not present in population databases (gnomAD no frequency). This sequence change creates a premature translational stop signal (p.Gly1212Alafs*43) in the PTCH1 gene. While this is not anticipated to result in nonsense mediated decay, it is expected to disrupt the last 236 amino acid(s) of the PTCH1 protein.